The following is an entry in ClinVar:

ClinVar aggregate classification (germline): Likely benign. Review status: criteria provided, multiple submitters, no conflicts (2 of 4 stars). 3 submissions from 3 submitters: Likely benign (3). Last evaluated 2025-10-19.

Conditions:
KIF11-related disorder. Also called: KIF11-related condition.

Allele frequency attached by ClinVar (database versions not stated): gnomAD 0.00001; gnomAD exomes 0.00004.
gnomAD v4.1: 63 of 1,611,430 alleles (0.0039%); highest among the groups gnomAD compares: East Asian, 0.013%; no homozygotes.

Submissions (3):

PreventionGenetics, part of Exact Sciences
Classification: Likely benign for KIF11-related condition. Last evaluated: 2025-10-19. Review status: criteria provided, single submitter. Criteria: ACMG Guidelines, 2015. Collection method: clinical testing. Allele origin: germline.
Comment: This variant is classified as likely benign based on ACMG/AMP sequence variant interpretation guidelines (Richards et al. 2015 PMID: 25741868, with internal and published modifications).

Blueprint Genetics
Classification: Likely benign. Last evaluated: 2022-02-01. Review status: criteria provided, single submitter. Criteria: ACMG Guidelines, 2015. Collection method: clinical testing. Allele origin: germline.

Labcorp Genetics (formerly Invitae), Labcorp
Classification: Likely benign. Last evaluated: 2020-03-14. Review status: criteria provided, single submitter. Criteria: Invitae Variant Classification Sherloc (09022015). Collection method: clinical testing. Allele origin: germline.

NM_004523.4(KIF11):c.732T>C (p.His244=)

Gene: KIF11 (kinesin family member 11; plus strand). Cytogenetic location: 10q23.33.
Variant type: single nucleotide variant.
Coding change: c.732T>C on transcript NM_004523.4 (MANE Select); coding-DNA position 732, T replaced by C.
Protein change: p.His244=; no amino-acid change (histidine 244 retained).
Molecular consequence: synonymous variant.
Genome position (GRCh38, 1-based): chr10:92,613,073, T>C. VCF-style: chr10-92613073-T-C. GRCh37 (hg19) VCF-style: chr10-94372830-T-C.
Other names: c.732T>C (NM_004523.3).
Identifiers: ClinVar variation 1105490 (VCV001105490.11), dbSNP rs916476703, ClinGen allele CA211497491.